The following is an entry in ClinVar:

GRCh38/hg38 21q22.3(chr21:45278163-45430994)x3

Genes: BNAT1 (breast cancer associated ESR1 regulating natural antisense transcript 1; minus strand), COL18A1 (collagen type XVIII alpha 1 chain; plus strand), COL18A1-AS1 (COL18A1 antisense RNA 1; minus strand), COL18A1-AS2 (COL18A1 antisense RNA 2; minus strand), LINC00205 (long intergenic non-protein coding RNA 205; plus strand) and 8 more. Cytogenetic location: 21q22.3.
Variant type: copy number gain.
Change: copy number 3 (three copies instead of two) of chr21:45,278,163-45,430,994 (152.8 kb, GRCh38 coordinates, 1-based), cytogenetic band 21q22.3.
Identifiers: ClinVar variation 59036 (VCV000059036.2).

ClinVar aggregate classification (germline): Uncertain significance (1 of 4 stars; one submission).

Submission:

ISCA Site 6
Classification: Uncertain significance. Last evaluated: 2011-08-12. Review status: criteria provided, single submitter. Criteria: Kaminsky et al. (Genet Med. 2011). Collection method: clinical testing. Allele origin: unknown. Affected: yes. Observed: 1 variant allele.
Comment: Copy number variation identified through the course of routine clinical cytogenomic testing in postnatal populations. Clinical assertions have been curated as described in Kaminsky et al. 2011.